The following is an entry in ClinVar:

NM_004130.4(GYG1):c.650T>A (p.Val217Asp)

Gene: GYG1 (glycogenin 1; plus strand). Cytogenetic location: 3q24.
Variant type: single nucleotide variant.
Coding change: c.650T>A on transcript NM_004130.4 (MANE Select); coding-DNA position 650, T replaced by A.
Protein change: p.Val217Asp; replaces valine 217 with aspartic acid.
Molecular consequence: missense variant. On other transcripts: intron variant (1).
Genome position (GRCh38, 1-based): chr3:149,024,094, T>A. VCF-style: chr3-149024094-T-A. GRCh37 (hg19) VCF-style: chr3-148741881-T-A.
Other names: c.650T>A, p.Val217Asp (NM_001184720.2); c.609-2666T>A (NM_001184721.2); short protein forms V217D.
Identifiers: ClinVar variation 4997821 (VCV004997821.1).
Genomic context (GRCh38, chr3:149,024,094, plus strand): 5'-ACTTGCGTTCACTTGGCAGGTTTGGTGCAAGTGCCAAAGTTGTGCATTTCCTGGGACGAG[T>A]CAAACCATGGAATTATACTTATGATCCCAAAACAAAAAGTGTCAAAAGTGAGGCCCATGA-3'
Protein context (NP_004121.2, residues 207-227): SAKVVHFLGR[Val217Asp]KPWNYTYDPK

ClinVar aggregate classification (germline): Uncertain significance (1 of 4 stars; one submission).

Conditions:
GYG1-related disorder. Also called: GYG1-related condition.

Submission:

PreventionGenetics, part of Exact Sciences
Classification: Uncertain significance for GYG1-related condition. Last evaluated: 2025-03-11. Review status: criteria provided, single submitter. Criteria: ACMG Guidelines, 2015. Collection method: clinical testing. Allele origin: germline.
Comment: The GYG1 c.650T>A variant is predicted to result in the amino acid substitution p.Val217Asp. To our knowledge, this variant has not been reported in the literature or in a large population database (gnomAD), indicating this variant is rare. At this time, the clinical significance of this variant is uncertain due to the absence of conclusive functional and genetic evidence.